The following is an entry in ClinVar:

ClinVar aggregate classification (germline): Pathogenic. Review status: criteria provided, multiple submitters, no conflicts (2 of 4 stars). 2 submissions from 2 submitters: Pathogenic (2). Last evaluated 2025-02-19.

Conditions:
Polycystic kidney disease, adult type (PKD1). Also called: Polycystic Kidney Disease 1, Autosomal Dominant; Polycystic kidney disease 1; Polycystic kidney disease 1, severe; POLYCYSTIC KIDNEY DISEASE 1 WITH OR WITHOUT POLYCYSTIC LIVER DISEASE; POLYCYSTIC KIDNEY DISEASE, ADULT, TYPE I; Polycystic Kidney, Autosomal Dominant. Identifiers: MedGen C3149841, MONDO:0008263, OMIM 173900.

Submissions (2):

GeneDx
Classification: Pathogenic. Last evaluated: 2025-02-19. Review status: criteria provided, single submitter. Criteria: GeneDx Variant Classification Process June 2021. Collection method: clinical testing. Allele origin: germline. Affected: yes.
Comment: Nonsense variant predicted to result in protein truncation or nonsense mediated decay in a gene for which loss of function is a known mechanism of disease; Not observed at significant frequency in large population cohorts (gnomAD); This variant is associated with the following publications: (PMID: 35778421)

Fulgent Genetics
Classification: Pathogenic for Polycystic kidney disease, adult type. Last evaluated: 2024-01-10. Review status: criteria provided, single submitter. Criteria: ACMG Guidelines, 2015. Collection method: clinical testing. Allele origin: germline.

NM_001009944.3(PKD1):c.9835C>T (p.Gln3279Ter)

Gene: PKD1 (polycystin 1, transient receptor potential channel interacting; minus strand). Cytogenetic location: 16p13.3.
Variant type: single nucleotide variant.
Coding change: c.9835C>T on transcript NM_001009944.3 (MANE Select); coding-DNA position 9835, C replaced by T.
Protein change: p.Gln3279Ter; replaces glutamine 3279 with a stop codon.
Molecular consequence: nonsense.
Genome position (GRCh38, 1-based): chr16:2,099,949, G>A on the plus strand (C>T on the coding strand, the complement: PKD1 is on the minus strand). VCF-style: chr16-2099949-G-A. GRCh37 (hg19) VCF-style: chr16-2149950-G-A.
Other names: c.9835C>T, p.Gln3279Ter (NM_000296.4); short protein forms Q3279*.
Identifiers: ClinVar variation 3579066 (VCV003579066.2).